The following is an entry in ClinVar:

ClinVar aggregate classification (germline): Uncertain significance. Review status: criteria provided, multiple submitters, no conflicts (2 of 4 stars). 2 submissions from 2 submitters: Uncertain significance (2). Last evaluated 2023-01-23.

Conditions:
Familial cancer of breast. Also called: Hereditary breast cancer; hereditary breast carcinoma; BREAST CANCER, FAMILIAL. Identifiers: Orphanet 227535, MedGen C0346153, MONDO:0016419, OMIM 114480. Disease mechanism: loss of function.
Fanconi anemia complementation group J. Also called: BRIP1-Related Fanconi Anemia. Identifiers: Orphanet 84, MedGen C1836860, MONDO:0012187, OMIM 609054.
Hereditary cancer-predisposing syndrome. Also called: Hereditary Cancer Syndrome; Neoplastic Syndromes, Hereditary; Hereditary neoplastic syndrome; Tumor predisposition. Identifiers: Orphanet 140162, MedGen C0027672, MeSH D009386, MONDO:0015356.

Submissions (2):

Labcorp Genetics (formerly Invitae), Labcorp
Classification: Uncertain significance for Familial cancer of breast; Fanconi anemia complementation group J. Last evaluated: 2023-01-23. Review status: criteria provided, single submitter. Criteria: Invitae Variant Classification Sherloc (09022015). Collection method: clinical testing. Allele origin: germline.
Comment: In summary, the available evidence is currently insufficient to determine the role of this variant in disease. Therefore, it has been classified as a Variant of Uncertain Significance. Algorithms developed to predict the effect of missense changes on protein structure and function are either unavailable or do not agree on the potential impact of this missense change (SIFT: "Tolerated"; PolyPhen-2: "Probably Damaging"; Align-GVGD: "Class C0"). ClinVar contains an entry for this variant (Variation ID: 818893). This variant has not been reported in the literature in individuals affected with BRIP1-related conditions. This variant is not present in population databases (gnomAD no frequency). This sequence change replaces asparagine, which is neutral and polar, with threonine, which is neutral and polar, at codon 447 of the BRIP1 protein (p.Asn447Thr).

Ambry Genetics
Classification: Uncertain significance for Hereditary cancer-predisposing syndrome. Last evaluated: 2018-10-31. Review status: criteria provided, single submitter. Criteria: Ambry Variant Classification Scheme 2023. Collection method: clinical testing. Allele origin: germline.
Comment: The p.N447T variant (also known as c.1340A>C), located in coding exon 8 of the BRIP1 gene, results from an A to C substitution at nucleotide position 1340. The amino acid change results in asparagine to threonine at codon 447, an amino acid with similar properties. However, this change occurs in the last base pair of coding exon 8, which makes it likely to have some effect on normal mRNA splicing. This amino acid position is highly conserved in available vertebrate species. In addition, this alteration is predicted to be tolerated by in silico analysis. Since supporting evidence is limited at this time, the clinical significance of this alteration remains unclear.

NM_032043.3(BRIP1):c.1340A>C (p.Asn447Thr)

Gene: BRIP1 (BRCA1 interacting DNA helicase 1; minus strand). Cytogenetic location: 17q23.2.
Variant type: single nucleotide variant.
Coding change: c.1340A>C on transcript NM_032043.3 (MANE Select); coding-DNA position 1340, A replaced by C.
Protein change: p.Asn447Thr; replaces asparagine 447 with threonine.
Molecular consequence: missense variant.
Genome position (GRCh38, 1-based): chr17:61,799,100, T>G on the plus strand (A>C on the coding strand, the complement: BRIP1 is on the minus strand). VCF-style: chr17-61799100-T-G. GRCh37 (hg19) VCF-style: chr17-59876461-T-G.
Other names: short protein forms N447T.
Identifiers: ClinVar variation 818893 (VCV000818893.13), dbSNP rs1603342134, ClinGen allele CA400483274.